The following is an entry in ClinVar:

ClinVar aggregate classification (germline): Uncertain significance (0 of 4 stars; one submission).

Conditions:
INTU-related disorder. Also called: INTU-related condition.

Submission:

PreventionGenetics, part of Exact Sciences
Classification: Uncertain significance for INTU-related condition. Last evaluated: 2024-06-26. Review status: no assertion criteria provided. Collection method: clinical testing. Allele origin: germline.
Comment: The INTU c.1428_1433dup6 variant is predicted to result in an in-frame duplication (p.Thr477_Leu478dup). To our knowledge, this variant has not been reported in the literature or in a large population database, indicating this variant is rare. At this time, the clinical significance of this variant is uncertain due to the absence of conclusive functional and genetic evidence.

NM_015693.4(INTU):c.1428_1433dup (p.Leu478_Pro479insThrLeu)

Genes: INTU (inturned planar cell polarity protein; plus strand), LOC126807151 (CDK7 strongly-dependent group 2 enhancer GRCh37_chr4:128607842-128609041; plus strand). Cytogenetic location: 4q28.1.
Variant type: Duplication.
Coding change: c.1428_1433dup on transcript NM_015693.4 (MANE Select); coding-DNA positions 1428 to 1433, 6 bases duplicated (CACACT; older notation c.1428_1433dupCACACT).
Protein change: p.Leu478_Pro479insThrLeu.
Molecular consequence: inframe insertion.
Genome position (GRCh38, 1-based): chr4:127,687,846-127,687,851, CACACT duplicated; duplicating any 6 consecutive bases within chr4:127,687,844-127,687,851 gives the same sequence; the c. name uses the placement nearest the transcript's 3' end. VCF-style (leftmost placement, unchanged base first): chr4-127687843-G-GCTCACA. GRCh37 (hg19) VCF-style: chr4-128608998-G-GCTCACA.
Identifiers: ClinVar variation 3346882 (VCV003346882.1).
Genomic context (GRCh38, chr4:127,687,843, plus strand): 5'-TGCTCAGCAGTACGATGCTTCCAGTGCAGTACTTTTAGACAACCTCCCTGGAGTCCGGTG[G>GCTCACA]CTCACACTTCCACTGGAAATCAAGGTAATCTTAGGTATTATAAAGCAGAAGCAGAACCAG-3'